The following is an entry in ClinVar:

NM_005045.4(RELN):c.8539A>G (p.Ile2847Val)

Genes: RELN (reelin; minus strand), SLC26A5-AS1 (SLC26A5 antisense RNA 1; plus strand). Cytogenetic location: 7q22.1.
Variant type: single nucleotide variant.
Coding change: c.8539A>G on transcript NM_005045.4 (MANE Select); coding-DNA position 8539, A replaced by G.
Protein change: p.Ile2847Val; replaces isoleucine 2847 with valine.
Molecular consequence: missense variant.
Genome position (GRCh38, 1-based): chr7:103,500,873, T>C on the plus strand (A>G on the coding strand, the complement: RELN is on the minus strand). VCF-style: chr7-103500873-T-C. GRCh37 (hg19) VCF-style: chr7-103141320-T-C.
Other names: c.8539A>G, p.Ile2847Val (NM_173054.3); short protein forms I2847V.
Identifiers: ClinVar variation 2939774 (VCV002939774.3), dbSNP rs1829003980, ClinGen allele CA368755897.
Genomic context (GRCh38, chr7:103,500,873, plus strand): 5'-AGCAATCTCCATGGCCCCTGCAGTTGTCCAAGCATCCAGGGCCCAGGTAGAAATTATCGA[T>C]TGCCCACTGCATGTCTGAGTACTTCTGATAGAACCTAAACCTTACCGGACTATTGACAAT-3'
Protein context (NP_005036.2, residues 2837-2857): YQKYSDMQWA[Ile2847Val]DNFYLGPGCL

ClinVar aggregate classification (germline): Uncertain significance (1 of 4 stars; one submission).

Conditions:
Norman-Roberts syndrome (LIS2). Also called: Lissencephaly 2 (Norman-Roberts type). Identifiers: Orphanet 89844, MedGen C0796089, MONDO:0009760, OMIM 257320.
Familial temporal lobe epilepsy 7. Identifiers: Orphanet 101046, MedGen C4225327, MONDO:0014639, OMIM 616436.

Allele frequency attached by ClinVar (database versions not stated): TOPMed below 0.00001.

Submission:

Labcorp Genetics (formerly Invitae), Labcorp
Classification: Uncertain significance for Familial temporal lobe epilepsy 7; Norman-Roberts syndrome. Last evaluated: 2025-03-31. Review status: criteria provided, single submitter. Criteria: Invitae Variant Classification Sherloc (09022015). Collection method: clinical testing. Allele origin: germline.
Comment: This sequence change replaces isoleucine, which is neutral and non-polar, with valine, which is neutral and non-polar, at codon 2847 of the RELN protein (p.Ile2847Val). This variant is not present in population databases (gnomAD no frequency). This variant has not been reported in the literature in individuals affected with RELN-related conditions. ClinVar contains an entry for this variant (Variation ID: 2939774). Invitae Evidence Modeling of protein sequence and biophysical properties (such as structural, functional, and spatial information, amino acid conservation, physicochemical variation, residue mobility, and thermodynamic stability) indicates that this missense variant is not expected to disrupt RELN protein function with a negative predictive value of 80%. In summary, the available evidence is currently insufficient to determine the role of this variant in disease. Therefore, it has been classified as a Variant of Uncertain Significance.